The following is an entry in ClinVar:

NM_198578.4(LRRK2):c.2437G>T (p.Val813Phe)

Gene: LRRK2 (leucine rich repeat kinase 2; plus strand). Cytogenetic location: 12q12.
Variant type: single nucleotide variant.
Coding change: c.2437G>T on transcript NM_198578.4 (MANE Select); coding-DNA position 2437, G replaced by T.
Protein change: p.Val813Phe; replaces valine 813 with phenylalanine.
Molecular consequence: missense variant.
Genome position (GRCh38, 1-based): chr12:40,284,070, G>T. VCF-style: chr12-40284070-G-T. GRCh37 (hg19) VCF-style: chr12-40677872-G-T.
Other names: short protein forms V813F.
Identifiers: ClinVar variation 2567362 (VCV002567362.2), dbSNP rs2499665211, ClinGen allele CA384407182.
Genomic context (GRCh38, chr12:40,284,070, plus strand): 5'-AGGCTGGCCCTGGATGTGGCCAACAATAGCATTTGCCTTGGAGGATTTTGTATAGGAAAA[G>T]TTGAACCTTCTTGGCTTGGTCCTTTATTTCCAGATAAGACTTCTAATTTAAGGAAACAAA-3'
Protein context (NP_940980.4, residues 803-823): ICLGGFCIGK[Val813Phe]EPSWLGPLFP

ClinVar aggregate classification (germline): Uncertain significance (1 of 4 stars; one submission).

Conditions:
Inborn genetic diseases. Identifiers: MedGen C0950123, MeSH D030342.

Submission:

Ambry Genetics
Classification: Uncertain significance for Inborn genetic diseases. Last evaluated: 2023-04-14. Review status: criteria provided, single submitter. Criteria: Ambry Variant Classification Scheme 2023. Collection method: clinical testing. Allele origin: germline.
Comment: The p.V813F variant (also known as c.2437G>T), located in coding exon 19 of the LRRK2 gene, results from a G to T substitution at nucleotide position 2437. The valine at codon 813 is replaced by phenylalanine, an amino acid with highly similar properties. This amino acid position is conserved. In addition, this alteration is predicted to be tolerated by in silico analysis. Since supporting evidence is limited at this time, the clinical significance of this alteration remains unclear.